The following is an entry in ClinVar:

ClinVar aggregate classification (germline): Uncertain significance (1 of 4 stars; one submission).

Conditions:
Congenital myasthenic syndrome 8. Also called: Myasthenic syndrome, congenital, 8, with pre- and postsynaptic defects; MYASTHENIC SYNDROME, CONGENITAL, DUE TO AGRIN DEFICIENCY. Identifiers: Orphanet 590, MedGen C3808739, MONDO:0014052, OMIM 615120.

gnomAD v4.1: 8 of 1,611,480 alleles (0.0005%); highest among the groups gnomAD compares: East Asian, 0.0045%; no homozygotes.

Submission:

Labcorp Genetics (formerly Invitae), Labcorp
Classification: Uncertain significance for Congenital myasthenic syndrome 8. Last evaluated: 2026-01-19. Review status: criteria provided, single submitter. Criteria: Invitae Variant Classification Sherloc (09022015). Collection method: clinical testing. Allele origin: germline.
Comment: This sequence change replaces alanine, which is neutral and non-polar, with valine, which is neutral and non-polar, at codon 477 of the AGRN protein (p.Ala477Val). This variant is present in population databases (rs772421157, gnomAD 0.007%). This variant has not been reported in the literature in individuals affected with AGRN-related conditions. ClinVar contains an entry for this variant (Variation ID: 2093355). An algorithm developed to predict the effect of missense changes on protein structure and function (PolyPhen-2) suggests that this variant is likely to be disruptive. In summary, the available evidence is currently insufficient to determine the role of this variant in disease. Therefore, it has been classified as a Variant of Uncertain Significance.

NM_198576.4(AGRN):c.1430C>T (p.Ala477Val)

Gene: AGRN (agrin; plus strand). Cytogenetic location: 1p36.33.
Variant type: single nucleotide variant.
Coding change: c.1430C>T on transcript NM_198576.4 (MANE Select); coding-DNA position 1430, C replaced by T.
Protein change: p.Ala477Val; replaces alanine 477 with valine.
Molecular consequence: missense variant.
Genome position (GRCh38, 1-based): chr1:1,043,284, C>T. VCF-style: chr1-1043284-C-T. GRCh37 (hg19) VCF-style: chr1-978664-C-T.
Other names: c.1430C>T, p.Ala477Val (NM_001305275.2); c.1115C>T, p.Ala372Val (NM_001364727.2); short protein forms A372V, A477V.
Identifiers: ClinVar variation 2093355 (VCV002093355.3), dbSNP rs772421157, ClinGen allele CA508183.